The following is an entry in ClinVar:

NM_138801.3(GALM):c.191-3C>G

Gene: GALM (galactose mutarotase; plus strand). Cytogenetic location: 2p22.1.
Variant type: single nucleotide variant.
Coding change: c.191-3C>G on transcript NM_138801.3 (MANE Select); 3 bases into the intron before coding-DNA position 191, C replaced by G.
Molecular consequence: intron variant.
Genome position (GRCh38, 1-based): chr2:38,675,909, C>G. VCF-style: chr2-38675909-C-G. GRCh37 (hg19) VCF-style: chr2-38903051-C-G.
Identifiers: ClinVar variation 2096442 (VCV002096442.4), dbSNP rs1019385068, ClinGen allele CA2580066421.

ClinVar aggregate classification (germline): Uncertain significance (1 of 4 stars; one submission).

Submission:

Labcorp Genetics (formerly Invitae), Labcorp
Classification: Uncertain significance. Last evaluated: 2023-04-10. Review status: criteria provided, single submitter. Criteria: Invitae Variant Classification Sherloc (09022015). Collection method: clinical testing. Allele origin: germline.
Comment: In summary, the available evidence is currently insufficient to determine the role of this variant in disease. Therefore, it has been classified as a Variant of Uncertain Significance. Variants that disrupt the consensus splice site are a relatively common cause of aberrant splicing (PMID: 17576681, 9536098). Algorithms developed to predict the effect of sequence changes on RNA splicing suggest that this variant may disrupt the consensus splice site. ClinVar contains an entry for this variant (Variation ID: 2096442). This variant has not been reported in the literature in individuals affected with GALM-related conditions. This variant is not present in population databases (gnomAD no frequency). This sequence change falls in intron 1 of the GALM gene. It does not directly change the encoded amino acid sequence of the GALM protein. It affects a nucleotide within the consensus splice site.

Literature cited by the submitters: PubMed 17576681; PubMed 9536098.